The following is an entry in ClinVar:

NM_002936.6(RNASEH1):c.498A>G (p.Pro166=)

Gene: RNASEH1 (ribonuclease H1; minus strand). Cytogenetic location: 2p25.3.
Variant type: single nucleotide variant.
Coding change: c.498A>G on transcript NM_002936.6 (MANE Select); coding-DNA position 498, A replaced by G.
Protein change: p.Pro166=; no amino-acid change (proline 166 retained).
Molecular consequence: synonymous variant. On other transcripts: non-coding transcript variant (7).
Genome position (GRCh38, 1-based): chr2:3,550,384, T>C on the plus strand (A>G on the coding strand, the complement: RNASEH1 is on the minus strand). VCF-style: chr2-3550384-T-C. GRCh37 (hg19) VCF-style: chr2-3597974-T-C.
Other names: p.Pro166=; c.498A>G (NM_002936.5); c.420A>G, p.Pro140= (NM_001286834.3); c.147A>G, p.Pro49= (NM_001286837.3); c.498A>G, p.Pro166= (NM_001378271.1, NM_001378273.1); c.495A>G, p.Pro165= (NM_001378272.1).
Identifiers: ClinVar variation 683674 (VCV000683674.13), dbSNP rs10186193, ClinGen allele CA1516244.

ClinVar aggregate classification (germline): Benign. Review status: criteria provided, multiple submitters, no conflicts (2 of 4 stars). 5 submissions from 5 submitters: Benign (5). Last evaluated 2026-02-04.

Conditions:
Progressive external ophthalmoplegia with mitochondrial DNA deletions, autosomal recessive 2 (PEOB2). Also called: PROGRESSIVE EXTERNAL OPHTHALMOPLEGIA, AUTOSOMAL RECESSIVE 2. Identifiers: Orphanet 329336, MedGen C4225312, MONDO:0014656, OMIM 616479.

Allele frequency attached by ClinVar (database versions not stated): gnomAD exomes 0.35571 and 0.32759; ExAC 0.34100; 1000 Genomes Project 0.37560; gnomAD 0.41265 and 0.40353; TOPMed 0.41853; 1000 Genomes Project 30x 0.38148; ESP Exome Variant Server 0.44449.

Submissions (5):

Labcorp Genetics (formerly Invitae), Labcorp
Classification: Benign. Last evaluated: 2026-02-04. Review status: criteria provided, single submitter. Criteria: Invitae Variant Classification Sherloc (09022015). Collection method: clinical testing. Allele origin: germline.

Mayo Clinic Laboratories, Mayo Clinic
Classification: Benign. Last evaluated: 2022-10-27. Review status: criteria provided, single submitter. Criteria: ACMG Guidelines, 2015. Collection method: clinical testing. Allele origin: germline. Observed: 1,202 variant alleles.

Genome-Nilou Lab
Classification: Benign for Progressive external ophthalmoplegia with mitochondrial DNA deletions, autosomal recessive 2. Last evaluated: 2021-11-07. Review status: criteria provided, single submitter. Criteria: ACMG Guidelines, 2015. Collection method: clinical testing. Allele origin: germline. Affected: no.

GeneDx
Classification: Benign. Last evaluated: 2018-06-11. Review status: criteria provided, single submitter. Criteria: GeneDx Variant Classification (06012015). Collection method: clinical testing. Allele origin: germline. Affected: yes.
Comment: This variant is considered likely benign or benign based on one or more of the following criteria: it is a conservative change, it occurs at a poorly conserved position in the protein, it is predicted to be benign by multiple in silico algorithms, and/or has population frequency not consistent with disease.

Breakthrough Genomics
Classification: Benign. Review status: criteria provided, single submitter. Criteria: ACMG Guidelines, 2015. Collection method: not provided. Allele origin: germline. Inheritance: Autosomal recessive inheritance. Affected: yes.